The following is an entry in ClinVar:

ClinVar aggregate classification (germline): Likely benign. Review status: criteria provided, multiple submitters, no conflicts (2 of 4 stars). 2 submissions from 2 submitters: Likely benign (2). Last evaluated 2026-02-01.

Conditions:
Kabuki syndrome. Also called: Kabuki make-up syndrome; NIIKAWA-KUROKI SYNDROME. Identifiers: Orphanet 2322, MedGen C0796004, MONDO:0016512.
KMT2D-related disorder. Also called: KMT2D-Related Disorders.

Allele frequency attached by ClinVar (database versions not stated): gnomAD exomes below 0.00001 and 0.00001; ExAC 0.00001.
gnomAD v4.1: 7 of 1,613,072 alleles (0.00043%); highest among the groups gnomAD compares: South Asian, 0.0044%; no homozygotes.

Submissions (2):

Labcorp Genetics (formerly Invitae), Labcorp
Classification: Likely benign for Kabuki syndrome. Last evaluated: 2026-02-01. Review status: criteria provided, single submitter. Criteria: Invitae Variant Classification Sherloc (09022015). Collection method: clinical testing. Allele origin: germline.

PreventionGenetics, part of Exact Sciences
Classification: Likely benign for KMT2D-related condition. Last evaluated: 2025-03-18. Review status: criteria provided, single submitter. Criteria: ACMG Guidelines, 2015. Collection method: clinical testing. Allele origin: germline.
Comment: This variant is classified as likely benign based on ACMG/AMP sequence variant interpretation guidelines (Richards et al. 2015 PMID: 25741868, with internal and published modifications).

NM_003482.4(KMT2D):c.2145C>T (p.Leu715=)

Gene: KMT2D (lysine methyltransferase 2D; minus strand). Cytogenetic location: 12q13.12.
Variant type: single nucleotide variant.
Coding change: c.2145C>T on transcript NM_003482.4 (MANE Select); coding-DNA position 2145, C replaced by T.
Protein change: p.Leu715=; no amino-acid change (leucine 715 retained).
Molecular consequence: synonymous variant.
Genome position (GRCh38, 1-based): chr12:49,051,538, G>A on the plus strand (C>T on the coding strand, the complement: KMT2D is on the minus strand). VCF-style: chr12-49051538-G-A. GRCh37 (hg19) VCF-style: chr12-49445321-G-A.
Other names: c.2145C>T (NM_003482.3).
Identifiers: ClinVar variation 1537029 (VCV001537029.9), dbSNP rs779439618, ClinGen allele CA6548333.